The following is an entry in ClinVar:

NM_002769.5(PRSS1):c.604G>T (p.Gly202Cys)

Genes: PRSS1 (serine protease 1; plus strand), TRB (T cell receptor beta locus; plus strand). Cytogenetic location: 7q34.
Variant type: single nucleotide variant.
Coding change: c.604G>T on transcript NM_002769.5 (MANE Select); coding-DNA position 604, G replaced by T.
Protein change: p.Gly202Cys; replaces glycine 202 with cysteine.
Molecular consequence: missense variant. On other transcripts: non-coding transcript variant (5).
Genome position (GRCh38, 1-based): chr7:142,752,880, G>T. VCF-style: chr7-142752880-G-T. GRCh37 (hg19) VCF-style: chr7-142460731-G-T.
Other names: short protein forms G202C.
Identifiers: ClinVar variation 1751276 (VCV001751276.4), dbSNP rs1798874496, ClinGen allele CA369610592.

ClinVar aggregate classification (germline): Uncertain significance. Review status: criteria provided, multiple submitters, no conflicts (2 of 4 stars). 2 submissions from 2 submitters: Uncertain significance (2). Last evaluated 2025-02-17.

Conditions:
Hereditary pancreatitis (PCTT). Also called: Hereditary chronic pancreatitis; PRSS1-Related Hereditary Pancreatitis. Identifiers: Orphanet 676, MedGen C0238339, MONDO:0008185, OMIM 167800.

Allele frequency attached by ClinVar (database versions not stated): gnomAD exomes below 0.00001.

Submissions (2):

Women's Health and Genetics/Laboratory Corporation of America, LabCorp
Classification: Uncertain significance. Last evaluated: 2025-02-17. Review status: criteria provided, single submitter. Criteria: LabCorp Variant Classification Summary - May 2015. Collection method: clinical testing. Allele origin: germline.

Ambry Genetics
Classification: Uncertain significance for Hereditary pancreatitis. Last evaluated: 2024-10-12. Review status: criteria provided, single submitter. Criteria: Ambry Variant Classification Scheme 2023. Collection method: clinical testing. Allele origin: germline.
Comment: The p.G202C variant (also known as c.604G>T), located in coding exon 5 of the PRSS1 gene, results from a G to T substitution at nucleotide position 604. The glycine at codon 202 is replaced by cysteine, an amino acid with highly dissimilar properties. This amino acid position is conserved. In addition, this alteration is predicted to be deleterious by in silico analysis. Since supporting evidence is limited at this time, the clinical significance of this alteration remains unclear.